The following is an entry in ClinVar:

ClinVar aggregate classification (germline): Conflicting classifications of pathogenicity. Review status: criteria provided, conflicting classifications (1 of 4 stars). 3 submissions from 3 submitters: Uncertain significance (2); Likely benign (1). Last evaluated 2024-05-05.

Conditions:
Hereditary cancer-predisposing syndrome. Also called: Neoplastic Syndromes, Hereditary; Tumor predisposition; Hereditary Cancer Syndrome; Hereditary neoplastic syndrome. Identifiers: Orphanet 140162, MedGen C0027672, MeSH D009386, MONDO:0015356.

Allele frequency attached by ClinVar (database versions not stated): gnomAD 0.00001; TOPMed 0.00001; gnomAD exomes 0.00004 and 0.00007; ExAC 0.00009.
gnomAD v4.1: 60 of 1,611,462 alleles (0.0037%); highest among the groups gnomAD compares: South Asian, 0.031%; no homozygotes.

Submissions (3):

Labcorp Genetics (formerly Invitae), Labcorp
Classification: Likely benign for Hereditary cancer-predisposing syndrome. Last evaluated: 2024-05-05. Review status: criteria provided, single submitter. Criteria: Invitae Variant Classification Sherloc (09022015). Collection method: clinical testing. Allele origin: germline.

Ambry Genetics
Classification: Uncertain significance for Hereditary cancer-predisposing syndrome. Last evaluated: 2023-11-06. Review status: criteria provided, single submitter. Criteria: Ambry Variant Classification Scheme 2023. Collection method: clinical testing. Allele origin: germline.
Comment: The p.R1156C variant (also known as c.3466C>T), located in coding exon 22 of the RAD50 gene, results from a C to T substitution at nucleotide position 3466. The arginine at codon 1156 is replaced by cysteine, an amino acid with highly dissimilar properties. This amino acid position is highly conserved on sequence alignment. In addition, this alteration is predicted to be deleterious by in silico analysis. Since supporting evidence is limited at this time, the clinical significance of this alteration remains unclear.

Quest Diagnostics Nichols Institute San Juan Capistrano
Classification: Uncertain significance. Last evaluated: 2021-07-02. Review status: criteria provided, single submitter. Criteria: Quest Diagnostics criteria. Collection method: clinical testing. Allele origin: unknown.

Literature cited by the submitters: PubMed 33471991 (cited by Quest Diagnostics Nichols Institute San Juan Capistrano); PubMed 31068370 (cited by Quest Diagnostics Nichols Institute San Juan Capistrano); PubMed 33754015 (cited by Quest Diagnostics Nichols Institute San Juan Capistrano).

NM_005732.4(RAD50):c.3466C>T (p.Arg1156Cys)

Genes: TH2LCRR (T helper type 2 locus control region associated RNA; minus strand), RAD50 (RAD50 double strand break repair protein; plus strand), TH2-LCR (Th2 cytokine locus control region; plus strand). Cytogenetic location: 5q31.1.
Variant type: single nucleotide variant.
Coding change: c.3466C>T on transcript NM_005732.4 (MANE Select); coding-DNA position 3466, C replaced by T.
Protein change: p.Arg1156Cys; replaces arginine 1156 with cysteine.
Molecular consequence: missense variant.
Genome position (GRCh38, 1-based): chr5:132,637,191, C>T. VCF-style: chr5-132637191-C-T. GRCh37 (hg19) VCF-style: chr5-131972883-C-T.
Other names: short protein forms R1156C.
Identifiers: ClinVar variation 186241 (VCV000186241.18), dbSNP rs535261113, ClinGen allele CA194223.
Genomic context (GRCh38, chr5:132,637,191, plus strand): 5'-CACAGTATGAAAATGGAAGAAATCAATAAAATTATACGTGACCTGTGGCGAAGTACCTAT[C>T]GTGGACAAGGTGAGTACCATGGTGTATCACAAATGCTCTTTCCAAAGCCCTCTCCGCAGC-3'
Protein context (NP_005723.2, residues 1146-1166): IIRDLWRSTY[Arg1156Cys]GQDIEYIEIR